The following is an entry in ClinVar:

NM_000238.4(KCNH2):c.3048_3049insCCCCCCCCCCCCC (p.Ala1017fs)

Gene: KCNH2 (potassium voltage-gated channel subfamily H member 2; minus strand). Cytogenetic location: 7q36.1.
Variant type: Insertion.
Coding change: c.3048_3049insCCCCCCCCCCCCC on transcript NM_000238.4 (MANE Select); coding-DNA positions 3048 to 3049, CCCCCCCCCCCCC inserted.
Protein change: p.Ala1017fs; shifts the reading frame from alanine 1017.
Molecular consequence: frameshift variant. On other transcripts: non-coding transcript variant (2).
Genome position: GRCh38 VCF-style: chr7-150947431-C-CGGGGGGGGGGGGG. GRCh37 (hg19) VCF-style: chr7-150644519-C-CGGGGGGGGGGGGG.
Other names: c.2760_2761insCCCCCCCCCCCCC, p.Ala921fs (NM_001406753.1); c.2028_2029insCCCCCCCCCCCCC, p.Ala677fs (NM_172057.3); short protein forms A1017fs, A677fs, A921fs.
Identifiers: ClinVar variation 3076044 (VCV003076044.1), dbSNP rs2486004826, ClinGen allele CA913188233.

ClinVar aggregate classification (germline): Likely pathogenic (1 of 4 stars; one submission).

Conditions:
Familial long QT syndrome (RWS). Also called: Romano-Ward syndrome; VENTRICULAR FIBRILLATION WITH PROLONGED QT INTERVAL; Congenital long QT syndrome. Identifiers: Orphanet 768, MedGen C1141890, MONDO:0019171.

Submission:

Laboratory for Molecular Medicine, Mass General Brigham Personalized Medicine
Classification: Likely pathogenic for Familial long QT syndrome. Last evaluated: 2017-08-11. Review status: criteria provided, single submitter. Criteria: ACMG Guidelines, 2015. Collection method: clinical testing. Allele origin: germline. Inheritance: Autosomal dominant inheritance.
Comment: The p.Ala1017fs variant in KCNH2 has not been previously reported in individuals with long QT syndrome and was absent from large population studies, though the ability of these studies to accurately detect indels may be limited. This variant is predicted to cause a frameshift, which alters the protein’s amino acid sequence beginning at position 1017 and leads to a premature termination codon 106 amino acids downstream. This alteration is then predicted to lead to a truncated or absent protein. Heterozygous loss of function of the KCNH2 gene is associated with long QT syndrome. In summary, although additional studies are required to fully establish its clinical significance, the p.Ala1017fs variant is likely pathogenic for long QT syndrome in an autosomal dominant manner based on its predicted impact to the protein.